The following is an entry in ClinVar:

ClinVar aggregate classification (germline): Likely benign. Review status: criteria provided, multiple submitters, no conflicts (2 of 4 stars). 5 submissions from 5 submitters: Likely benign (5). Last evaluated 2025-12-14.

Conditions:
RYR1-related disorder. Also called: RYR1-related condition; RYR1-related disorders. Identifiers: MedGen CN239331.
Malignant hyperthermia, susceptibility to, 1 (MHS1). Also called: RYR1-Related Malignant Hyperthermia Susceptibility; Anesthesia related hyperthermia; Malignant hyperpyrexia; Fulminating hyperpyrexia; Pharmacogenic myopathy; Malignant hyperthermia suceptibility 1. Identifiers: Orphanet 423, MedGen C2930980, MONDO:0007783, OMIM 145600.

Allele frequency attached by ClinVar (database versions not stated): ExAC 0.00001; gnomAD 0.00001 and 0.00002; gnomAD exomes 0.00001 and 0.00003; TOPMed 0.00002.
gnomAD v4.1: 42 of 1,613,364 alleles (0.0026%); highest among the groups gnomAD compares: Non-Finnish European, 0.0033%; no homozygotes.

Submissions (5):

Labcorp Genetics (formerly Invitae), Labcorp
Classification: Likely benign for RYR1-related disorder. Last evaluated: 2025-12-14. Review status: criteria provided, single submitter. Criteria: Invitae Variant Classification Sherloc (09022015). Collection method: clinical testing. Allele origin: germline.

Blueprint Genetics
Classification: Likely benign. Last evaluated: 2024-09-10. Review status: criteria provided, single submitter. Criteria: ACMG Guidelines, 2015. Collection method: clinical testing. Allele origin: germline.

All of Us Research Program, National Institutes of Health
Classification: Likely benign for Malignant hyperthermia, susceptibility to, 1. Last evaluated: 2024-08-30. Review status: criteria provided, single submitter. Criteria: ACMG Guidelines, 2015. Collection method: clinical testing. Allele origin: germline. Inheritance: Autosomal dominant inheritance. Observed: 9 variant alleles, 9 heterozygotes.
Comment: This study involves interpretation of variants in research participants for the purpose of population health screening. Participant phenotype was not available at the time of variant classification. Additional details can be found in publication PMID: 35346344, PMCID: PMC8962531

Color Diagnostics, LLC DBA Color Health
Classification: Likely benign for Malignant hyperthermia, susceptibility to, 1. Last evaluated: 2022-11-06. Review status: criteria provided, single submitter. Criteria: ACMG Guidelines, 2015. Collection method: clinical testing. Allele origin: germline.

PreventionGenetics, part of Exact Sciences
Classification: Likely benign. Review status: criteria provided, single submitter. Criteria: ACMG Guidelines, 2015. Collection method: clinical testing. Allele origin: germline.

NM_000540.3(RYR1):c.7938C>T (p.Asn2646=)

Gene: RYR1 (ryanodine receptor 1; plus strand). Cytogenetic location: 19q13.2.
Variant type: single nucleotide variant.
Coding change: c.7938C>T on transcript NM_000540.3 (MANE Select); coding-DNA position 7938, C replaced by T.
Protein change: p.Asn2646=; no amino-acid change (asparagine 2646 retained).
Molecular consequence: synonymous variant.
Genome position (GRCh38, 1-based): chr19:38,504,231, C>T. VCF-style: chr19-38504231-C-T. GRCh37 (hg19) VCF-style: chr19-38994871-C-T.
Other names: c.7938C>T, p.Asn2646= (NM_001042723.2).
Identifiers: ClinVar variation 256569 (VCV000256569.16), dbSNP rs752737752, ClinGen allele CA071145.